The following is an entry in ClinVar:

ClinVar aggregate classification (germline): Likely pathogenic (1 of 4 stars; one submission).

Conditions:
Familial pulmonary capillary hemangiomatosis (PVOD2). Also called: Pulmonary venoocclusive disease 2, autosomal recessive; Pulmonary venoocclusive disease 2. Identifiers: Orphanet 199241, MedGen C0340848, MONDO:0009329, OMIM 234810.

Submission:

Genomic Medicine Center of Excellence, King Faisal Specialist Hospital and Research Centre
Classification: Likely pathogenic for Familial pulmonary capillary hemangiomatosis. Last evaluated: 2024-10-13. Review status: criteria provided, single submitter. Criteria: ACMG Guidelines, 2015. Collection method: clinical testing. Allele origin: germline.
Comment: This variant (GRCh38; NM_001013703.4:c.513+2T>G) results in a Splice Donor Site mutation in the EIF2AK4 gene. To our knowledge this variant not been previously curated or reported in public Database. Not observed at significant frequency in large population cohorts (gnomAD) This variant has a strong Conservation score. In-silico analysis supports that this splice donor site variant is pathogenic. This alteration is interpreted as disease-causing mutation, a commonly known mechanism for disease.

NM_001013703.4(EIF2AK4):c.513+2T>G

Gene: EIF2AK4 (eukaryotic translation initiation factor 2 alpha kinase 4; plus strand). Cytogenetic location: 15q15.1.
Variant type: single nucleotide variant.
Coding change: c.513+2T>G on transcript NM_001013703.4 (MANE Select); the canonical splice donor site of the intron after coding-DNA position 513, T replaced by G.
Molecular consequence: splice donor variant.
Genome position (GRCh38, 1-based): chr15:39,949,270, T>G. VCF-style: chr15-39949270-T-G. GRCh37 (hg19) VCF-style: chr15-40241471-T-G.
Identifiers: ClinVar variation 3363133 (VCV003363133.1).